The following is an entry in ClinVar:

ClinVar aggregate classification (germline): Likely benign (1 of 4 stars; one submission).

Submission:

Laboratory for Molecular Medicine, Mass General Brigham Personalized Medicine
Classification: Likely benign. Last evaluated: 2017-02-07. Review status: criteria provided, single submitter. Criteria: LMM Criteria. Collection method: clinical testing. Allele origin: germline. Observed: 1 variant allele.
Comment: p.Gly682Gly exon 19 of USH1C: This variant is not expected to have clinical sign ificance because it does not alter an amino acid residue and is not located with in the splice consensus sequence.

NM_153676.4(USH1C):c.2046C>T (p.Gly682=)

Gene: USH1C (USH1 protein network component harmonin; minus strand). Cytogenetic location: 11p15.1.
Variant type: single nucleotide variant.
Coding change: c.2046C>T on transcript NM_153676.4 (MANE Select); coding-DNA position 2046, C replaced by T.
Protein change: p.Gly682=; no amino-acid change (glycine 682 retained).
Molecular consequence: synonymous variant. On other transcripts: intron variant (2).
Genome position (GRCh38, 1-based): chr11:17,505,917, G>A on the plus strand (C>T on the coding strand, the complement: USH1C is on the minus strand). VCF-style: chr11-17505917-G-A. GRCh37 (hg19) VCF-style: chr11-17527464-G-A.
Other names: c.1228-3937C>T (NM_001297764.2); c.1285-3937C>T (NM_005709.4).
Identifiers: ClinVar variation 505652 (VCV000505652.5), dbSNP rs1554955894, ClinGen allele CA473298377.